The following is an entry in ClinVar:

ClinVar aggregate classification (germline): Benign. Review status: criteria provided, multiple submitters, no conflicts (2 of 4 stars). 4 submissions from 3 submitters: Benign (4). Last evaluated 2021-05-13.

Conditions:
Neuronopathy, distal hereditary motor, type 2A. Also called: NEURONOPATHY, DISTAL HEREDITARY MOTOR, AUTOSOMAL DOMINANT 2; NEURONOPATHY, DISTAL HEREDITARY MOTOR, HARDING TYPE IIA; NEUROPATHY, DISTAL HEREDITARY MOTOR, HARDING TYPE IIA; SPINAL MUSCULAR ATROPHY, DISTAL, ADULT, AUTOSOMAL DOMINANT, HARDING TYPE IIA; CHARCOT-MARIE-TOOTH DISEASE, SPINAL, IIA; HMN IIA. Identifiers: Orphanet 139525, MedGen C1834692, MONDO:0008025, OMIM 158590.
Charcot-Marie-Tooth disease axonal type 2L. Also called: CHARCOT-MARIE-TOOTH DISEASE, AXONAL, AUTOSOMAL DOMINANT, TYPE 2L; CHARCOT-MARIE-TOOTH NEUROPATHY, AXONAL, TYPE 2L; Charcot-Marie-Tooth Neuropathy Type 2L. Identifiers: Orphanet 99945, MedGen C1837552, MONDO:0012096, OMIM 608673.

Allele frequency attached by ClinVar (database versions not stated): 1000 Genomes Project 30x 0.13429; 1000 Genomes Project 0.13698; TOPMed 0.16298; gnomAD 0.16666 and 0.16667; gnomAD exomes 0.38620.
gnomAD v4.1: 28,062 of 158,592 alleles (18%); highest among the groups gnomAD compares: Middle Eastern, 24%; 3,001 homozygotes.

Submissions (6):

GeneDx
Classification: Benign. Last evaluated: 2021-05-13. Review status: criteria provided, single submitter. Criteria: GeneDx Variant Classification Process June 2021. Collection method: clinical testing. Allele origin: germline. Affected: yes.

Illumina Laboratory Services, Illumina
Classification: Benign for Neuronopathy, distal hereditary motor, type 2A. Last evaluated: 2018-01-13. Review status: criteria provided, single submitter. Criteria: ICSL Variant Classification Criteria 13 December 2019. Collection method: clinical testing. Allele origin: germline.
Comment: This variant was observed in the ICSL laboratory as part of a predisposition screen in an ostensibly healthy population. It had not been previously curated by ICSL or reported in the Human Gene Mutation Database (HGMD: prior to June 1st, 2018), and was therefore a candidate for classification through an automated scoring system. Utilizing variant allele frequency, disease prevalence and penetrance estimates, and inheritance mode, an automated score was calculated to assess if this variant is too frequent to cause the disease. Based on the score and internal cut-off values, a variant classified as benign is not then subjected to further curation. The score for this variant resulted in a classification of benign for this disease.

Illumina Laboratory Services, Illumina
Classification: Benign for Charcot-Marie-Tooth disease axonal type 2L. Last evaluated: 2018-01-13. Review status: criteria provided, single submitter. Criteria: ICSL Variant Classification Criteria 13 December 2019. Collection method: clinical testing. Allele origin: germline.
Comment: the same text as in the submission from Illumina Laboratory Services, Illumina above.

Breakthrough Genomics
Classification: Benign. Review status: criteria provided, single submitter. Criteria: ACMG Guidelines, 2015. Collection method: not provided. Allele origin: germline. Inheritance: Autosomal dominant inheritance. Affected: yes.

Dr. Peter K. Rogan Lab, Western University
No classification provided (evidence only). Condition: Cervical cancer. Review status: no classification provided. Collection method: in vitro. Allele origin: not applicable. Functional consequence: retained intron. Not counted in ClinVar's aggregate classification.

Dr. Peter K. Rogan Lab, Western University
No classification provided (evidence only). Condition: Malignant tumor of esophagus. Review status: no classification provided. Collection method: in vitro. Allele origin: not applicable. Functional consequence: retained intron. Not counted in ClinVar's aggregate classification.

NM_014365.3(HSPB8):c.*684G>A

Gene: HSPB8 (heat shock protein family B (small) member 8; plus strand). Cytogenetic location: 12q24.23.
Variant type: single nucleotide variant.
Coding change: c.*684G>A on transcript NM_014365.3 (MANE Select); 684 bases downstream of the stop codon, G replaced by A.
Molecular consequence: 3 prime UTR variant.
Genome position (GRCh38, 1-based): chr12:119,194,542, G>A. VCF-style: chr12-119194542-G-A. GRCh37 (hg19) VCF-style: chr12-119632347-G-A.
Other names: NC_000012.11:g.119632347G>A.
Identifiers: ClinVar variation 307428 (VCV000307428.9), dbSNP rs1133026, ClinGen allele CA10632127.